The following is an entry in ClinVar:

ClinVar aggregate classification (germline): Uncertain significance. Review status: criteria provided, multiple submitters, no conflicts (2 of 4 stars). 2 submissions from 2 submitters: Uncertain significance (2). Last evaluated 2025-02-07.

Conditions:
Singleton-Merten syndrome 1 (SGMRT1). Also called: Widened medullary cavities of bone, aortic calcification, abnormal dentition, and muscular weakness; Syndrome of widened medullary cavities of the metacarpals and phalanges, aortic calcification and abnormal dentition. Identifiers: Orphanet 85191, MedGen C4225427, MONDO:0024535, OMIM 182250.
Aicardi-Goutieres syndrome 7 (AGS7). Identifiers: Orphanet 51, MedGen C3888244, MONDO:0014367, OMIM 615846.
Inborn genetic diseases. Identifiers: MedGen C0950123, MeSH D030342.

Allele frequency attached by ClinVar (database versions not stated): gnomAD exomes below 0.00001; ExAC 0.00001.
gnomAD v4.1: 1 of 1,613,626 alleles (0.000062%); highest among the groups gnomAD compares: South Asian, 0.0011%; no homozygotes.

Submissions (2):

Ambry Genetics
Classification: Uncertain significance for Inborn genetic diseases. Last evaluated: 2025-02-07. Review status: criteria provided, single submitter. Criteria: Ambry Variant Classification Scheme 2023. Collection method: clinical testing. Allele origin: germline.

Labcorp Genetics (formerly Invitae), Labcorp
Classification: Uncertain significance for Aicardi-Goutieres syndrome 7; Singleton-Merten syndrome 1. Last evaluated: 2021-05-26. Review status: criteria provided, single submitter. Criteria: Invitae Variant Classification Sherloc (09022015). Collection method: clinical testing. Allele origin: germline.
Comment: In summary, the available evidence is currently insufficient to determine the role of this variant in disease. Therefore, it has been classified as a Variant of Uncertain Significance. Algorithms developed to predict the effect of missense changes on protein structure and function output the following: SIFT: "Tolerated"; PolyPhen-2: "Benign"; Align-GVGD: "Class C0". The alanine amino acid residue is found in multiple mammalian species, suggesting that this missense change does not adversely affect protein function. These predictions have not been confirmed by published functional studies and their clinical significance is uncertain. This variant has not been reported in the literature in individuals with IFIH1-related conditions. This variant is present in population databases (rs771145026, ExAC 0.006%). This sequence change replaces valine with alanine at codon 255 of the IFIH1 protein (p.Val255Ala). The valine residue is weakly conserved and there is a small physicochemical difference between valine and alanine.

NM_022168.4(IFIH1):c.764T>C (p.Val255Ala)

Gene: IFIH1 (interferon induced with helicase C domain 1; minus strand). Cytogenetic location: 2q24.2.
Variant type: single nucleotide variant.
Coding change: c.764T>C on transcript NM_022168.4 (MANE Select); coding-DNA position 764, T replaced by C.
Protein change: p.Val255Ala; replaces valine 255 with alanine.
Molecular consequence: missense variant.
Genome position (GRCh38, 1-based): chr2:162,306,714, A>G on the plus strand (T>C on the coding strand, the complement: IFIH1 is on the minus strand). VCF-style: chr2-162306714-A-G. GRCh37 (hg19) VCF-style: chr2-163163224-A-G.
Other names: c.764T>C (NM_022168.2); short protein forms V255A.
Identifiers: ClinVar variation 1356416 (VCV001356416.9), dbSNP rs771145026, ClinGen allele CA1934724.